The following is an entry in ClinVar:

ClinVar aggregate classification (germline): Uncertain significance. Review status: criteria provided, multiple submitters, no conflicts (2 of 4 stars). 4 submissions from 4 submitters: Uncertain significance (4). Last evaluated 2025-11-09.

Conditions:
Hereditary cancer-predisposing syndrome. Also called: Neoplastic Syndromes, Hereditary; Tumor predisposition; Hereditary Cancer Syndrome; Hereditary neoplastic syndrome. Identifiers: Orphanet 140162, MedGen C0027672, MeSH D009386, MONDO:0015356.

Allele frequency attached by ClinVar (database versions not stated): gnomAD 0.00001; gnomAD exomes 0.00001 and 0.00003; TOPMed 0.00001.
gnomAD v4.1: 51 of 1,593,696 alleles (0.0032%); highest among the groups gnomAD compares: Non-Finnish European, 0.0041%; no homozygotes.

Submissions (4):

Labcorp Genetics (formerly Invitae), Labcorp
Classification: Uncertain significance. Last evaluated: 2025-11-09. Review status: criteria provided, single submitter. Criteria: Invitae Variant Classification Sherloc (09022015). Collection method: clinical testing. Allele origin: germline.
Comment: This sequence change falls in intron 6 of the MSH3 gene. It does not directly change the encoded amino acid sequence of the MSH3 protein. RNA analysis indicates that this variant induces altered splicing and may result in an absent or altered protein product. This variant is present in population databases (no rsID available, gnomAD 0.003%). This variant has not been reported in the literature in individuals affected with MSH3-related conditions. ClinVar contains an entry for this variant (Variation ID: 653871). Variants that disrupt the consensus splice site are a relatively common cause of aberrant splicing (PMID: 17576681, 9536098). Studies have shown that this variant results in skipping of exon 7 and intronic inclusion, and produces a non-functional protein and/or introduces a premature termination codon (internal data). In summary, the available evidence is currently insufficient to determine the role of this variant in disease. Therefore, it has been classified as a Variant of Uncertain Significance.

GeneDx
Classification: Uncertain significance. Last evaluated: 2025-08-29. Review status: criteria provided, single submitter. Criteria: GeneDx Variant Classification Process June 2021. Collection method: clinical testing. Allele origin: germline. Affected: yes.
Comment: Not observed at significant frequency in large population cohorts (gnomAD); In silico analysis supports a deleterious effect on splicing; Observed in an individual with myeloid sarcoma (PMID: 35573754); This variant is associated with the following publications: (PMID: 35573754)

Ambry Genetics
Classification: Uncertain significance for Hereditary cancer-predisposing syndrome. Last evaluated: 2025-04-08. Review status: criteria provided, single submitter. Criteria: Ambry Variant Classification Scheme 2023. Collection method: clinical testing. Allele origin: germline.
Comment: The c.1027+4T>C intronic variant results from a T to C substitution 4 nucleotides after coding exon 6 in the MSH3 gene. This nucleotide position is highly conserved in available vertebrate species. In silico splice site analysis predicts that this alteration will weaken the native splice donor site. RNA studies have demonstrated that this alteration results in an incomplete splice defect; the clinical impact of this abnormal splicing is unknown at this time (Ambry internal data). Since supporting evidence is limited at this time, the clinical significance of this alteration remains unclear.

Sema4
Classification: Uncertain significance for Hereditary cancer-predisposing syndrome. Last evaluated: 2022-02-04. Review status: criteria provided, single submitter. Criteria: Sema4 Curation Guidelines. Collection method: curation. Allele origin: germline.
Comment: The MSH3 c.1027+4T>C variant has not been reported in the literature to our knowledge. It was observed in 1/30612 chromosomes of the South Asian subpopulation in the large and broad cohorts of the Genome Aggregation Database (PMID: 32461654). The variant has been reported in ClinVar (Variation ID 653871). In silico tools suggest the variant not to have an impact on splicing, though these predictions have not been confirmed by functional studies. The evidence is insufficient to meet ACMG/AMP criteria for classifying the variant as benign or pathogenic. Thus, the clinical significance of this variant is currently uncertain.

Literature cited by the submitters: PubMed 17576681 (cited by Labcorp Genetics (formerly Invitae), Labcorp); PubMed 9536098 (cited by Labcorp Genetics (formerly Invitae), Labcorp).

NM_002439.5(MSH3):c.1027+4T>C

Genes: MSH3 (mutS homolog 3; plus strand), LOC126807437 (MED14-independent group 3 enhancer GRCh37_chr5:79968379-79969578; plus strand). Cytogenetic location: 5q14.1.
Variant type: single nucleotide variant.
Coding change: c.1027+4T>C on transcript NM_002439.5 (MANE Select); 4 bases into the intron after coding-DNA position 1027, T replaced by C.
Molecular consequence: intron variant.
Genome position (GRCh38, 1-based): chr5:80,672,862, T>C. VCF-style: chr5-80672862-T-C. GRCh37 (hg19) VCF-style: chr5-79968681-T-C.
Identifiers: ClinVar variation 653871 (VCV000653871.17), dbSNP rs1267464368, ClinGen allele CA560551913.
Genomic context (GRCh38, chr5:80,672,862, plus strand): 5'-CACTCTTTTCCCGGAAATTGACTGCCCTTTATACAAAATCTACACTTATTGGAGAAGATA[T>C]CCTTTTTGGACGGGAGTTTTTCTCTTAAATGATACAAGGGCTTTGTTGGCAGGTTTTGTT-3'